The following is an entry in ClinVar:

NM_003235.5(TG):c.5041+1G>A

Gene: TG (thyroglobulin; plus strand). Cytogenetic location: 8q24.22.
Variant type: single nucleotide variant.
Coding change: c.5041+1G>A on transcript NM_003235.5 (MANE Select); the canonical splice donor site of the intron after coding-DNA position 5041, G replaced by A.
Molecular consequence: splice donor variant.
Genome position (GRCh38, 1-based): chr8:132,935,865, G>A. VCF-style: chr8-132935865-G-A. GRCh37 (hg19) VCF-style: chr8-133948110-G-A.
Identifiers: ClinVar variation 2843827 (VCV002843827.3), dbSNP rs1465059691, ClinGen allele CA372250549.

ClinVar aggregate classification (germline): Likely pathogenic (1 of 4 stars; one submission).

Allele frequency attached by ClinVar (database versions not stated): gnomAD exomes below 0.00001; TOPMed below 0.00001.

Submission:

Labcorp Genetics (formerly Invitae), Labcorp
Classification: Likely pathogenic. Last evaluated: 2023-05-15. Review status: criteria provided, single submitter. Criteria: Invitae Variant Classification Sherloc (09022015). Collection method: clinical testing. Allele origin: germline.
Comment: In summary, the currently available evidence indicates that the variant is pathogenic, but additional data are needed to prove that conclusively. Therefore, this variant has been classified as Likely Pathogenic. Algorithms developed to predict the effect of sequence changes on RNA splicing suggest that this variant may disrupt the consensus splice site. This variant has not been reported in the literature in individuals affected with TG-related conditions. This variant is present in population databases (no rsID available, gnomAD 0.006%). This sequence change affects a donor splice site in intron 25 of the TG gene. It is expected to disrupt RNA splicing. Variants that disrupt the donor or acceptor splice site typically lead to a loss of protein function (PMID: 16199547), and loss-of-function variants in TG are known to be pathogenic (PMID: 19837936, 23164529).

Literature cited by the submitters: PubMed 16199547; PubMed 19837936; PubMed 23164529.